The following is an entry in ClinVar:

ClinVar aggregate classification (germline): Uncertain significance (1 of 4 stars; one submission).

gnomAD v4.1: 1 of 1,579,810 alleles (0.000063%); highest among the groups gnomAD compares: Non-Finnish European, 0.000086%; no homozygotes.

Submission:

Labcorp Genetics (formerly Invitae), Labcorp
Classification: Uncertain significance. Last evaluated: 2025-07-21. Review status: criteria provided, single submitter. Criteria: Invitae Variant Classification Sherloc (09022015). Collection method: clinical testing. Allele origin: germline.
Comment: This sequence change replaces threonine, which is neutral and polar, with lysine, which is basic and polar, at codon 152 of the VAV1 protein (p.Thr152Lys). The frequency data for this variant in the population databases is considered unreliable, as metrics indicate poor data quality at this position in the gnomAD database. This variant has not been reported in the literature in individuals affected with VAV1-related conditions. An algorithm developed to predict the effect of missense changes on protein structure and function (PolyPhen-2) suggests that this variant is likely to be disruptive. In summary, the available evidence is currently insufficient to determine the role of this variant in disease. Therefore, it has been classified as a Variant of Uncertain Significance.

NM_005428.4(VAV1):c.455C>A (p.Thr152Lys)

Gene: VAV1 (vav guanine nucleotide exchange factor 1; plus strand). Cytogenetic location: 19p13.3.
Variant type: single nucleotide variant.
Coding change: c.455C>A on transcript NM_005428.4 (MANE Select); coding-DNA position 455, C replaced by A.
Protein change: p.Thr152Lys; replaces threonine 152 with lysine.
Molecular consequence: missense variant.
Genome position (GRCh38, 1-based): chr19:6,822,226, C>A. VCF-style: chr19-6822226-C-A. GRCh37 (hg19) VCF-style: chr19-6822237-C-A.
Other names: c.455C>A, p.Thr152Lys (NM_001258206.2, NM_001258207.2); short protein forms T152K.
Identifiers: ClinVar variation 4808713 (VCV004808713.1).
Genomic context (GRCh38, chr19:6,822,226, plus strand): 5'-GACCCTGCTGTGATCTGGGAGAGGTCCAAGGGATCCCTGACCTCACAACCCACAGCGACA[C>A]GGTGGAGGAGGATGAGGACCTGTATGACTGCGTGGAGAATGAGGAGGCGGAAGGCGACGA-3'
Protein context (NP_005419.2, residues 142-162): YSGLSDQIDD[Thr152Lys]VEEDEDLYDC